The following is an entry in ClinVar:

ClinVar aggregate classification (germline): Uncertain significance. Review status: criteria provided, multiple submitters, no conflicts (2 of 4 stars). 2 submissions from 2 submitters: Uncertain significance (2). Last evaluated 2025-08-27.

Conditions:
Inborn genetic diseases. Identifiers: MedGen C0950123, MeSH D030342.

Allele frequency attached by ClinVar (database versions not stated): gnomAD exomes 0.00001 and 0.00002.
gnomAD v4.1: 34 of 1,614,096 alleles (0.0021%); highest among the groups gnomAD compares: Non-Finnish European, 0.0026%; no homozygotes.

Submissions (2):

Ambry Genetics
Classification: Uncertain significance for Inborn genetic diseases. Last evaluated: 2025-08-27. Review status: criteria provided, single submitter. Criteria: Ambry Variant Classification Scheme 2023. Collection method: clinical testing. Allele origin: germline.

Labcorp Genetics (formerly Invitae), Labcorp
Classification: Uncertain significance. Last evaluated: 2023-09-03. Review status: criteria provided, single submitter. Criteria: Invitae Variant Classification Sherloc (09022015). Collection method: clinical testing. Allele origin: germline.
Comment: In summary, the available evidence is currently insufficient to determine the role of this variant in disease. Therefore, it has been classified as a Variant of Uncertain Significance. Advanced modeling of protein sequence and biophysical properties (such as structural, functional, and spatial information, amino acid conservation, physicochemical variation, residue mobility, and thermodynamic stability) performed at Invitae indicates that this missense variant is not expected to disrupt APTX protein function. ClinVar contains an entry for this variant (Variation ID: 1479074). This variant has not been reported in the literature in individuals affected with APTX-related conditions. This variant is present in population databases (no rsID available, gnomAD 0.004%). This sequence change replaces asparagine, which is neutral and polar, with serine, which is neutral and polar, at codon 120 of the APTX protein (p.Asn120Ser).

NM_001195248.2(APTX):c.359A>G (p.Asn120Ser)

Gene: APTX (aprataxin; minus strand). Cytogenetic location: 9p21.1.
Variant type: single nucleotide variant.
Coding change: c.359A>G on transcript NM_001195248.2 (MANE Select); coding-DNA position 359, A replaced by G.
Protein change: p.Asn120Ser; replaces asparagine 120 with serine.
Molecular consequence: missense variant. On other transcripts: non-coding transcript variant (13), intron variant (1).
Genome position (GRCh38, 1-based): chr9:32,987,668, T>C on the plus strand (A>G on the coding strand, the complement: APTX is on the minus strand). VCF-style: chr9-32987668-T-C. GRCh37 (hg19) VCF-style: chr9-32987666-T-C.
Other names: c.359A>G, p.Asn120Ser (NM_001195249.2, NM_001195251.2, NM_001368995.1 and 6 more transcripts); c.197A>G, p.Asn66Ser (NM_001195250.2, NM_001195254.2, NM_001369000.1 and 1 more transcripts); c.95A>G, p.Asn32Ser (NM_001369002.1, NM_001369003.1, NM_001369004.1 and 5 more transcripts); c.267+92A>G (NM_001195252.2); c.359A>G (NM_175073.2); short protein forms N120S, N32S, N66S.
Identifiers: ClinVar variation 1479074 (VCV001479074.8), dbSNP rs955636981, ClinGen allele CA192402427.
Genomic context (GRCh38, chr9:32,987,668, plus strand): 5'-GGTTCCAGCCCTGTCCCAGCCTCAGCTTCCTGAGCAGCATCCCTTTCTATAGAATCACTG[T>C]TGCCTGATCTCTTTCTCTTCCTGTGTGTTTCCAGGCCAGGGTTCTTTGCCTCTTCCTCAA-3'
Protein context (NP_001182177.2, residues 110-130): ETHRKRKRSG[Asn120Ser]SDSIERDAAQ